The following is an entry in ClinVar:

ClinVar aggregate classification (germline): Uncertain significance (1 of 4 stars; one submission).

Conditions:
Spermatogenic failure 18. Identifiers: MedGen C4539783, MONDO:0054615, OMIM 617576.
Ciliary dyskinesia, primary, 37 (CILD37). Also called: CILIARY DYSKINESIA, PRIMARY, 37, WITH OR WITHOUT SITUS INVERSUS. Identifiers: MedGen C4539798, MONDO:0033204, OMIM 617577.

gnomAD v4.1: 3 of 1,613,708 alleles (0.00019%); highest among the groups gnomAD compares: African/African-American, 0.0013%; no homozygotes.

Submission:

Labcorp Genetics (formerly Invitae), Labcorp
Classification: Uncertain significance for Ciliary dyskinesia, primary, 37; Spermatogenic failure 18. Last evaluated: 2025-11-19. Review status: criteria provided, single submitter. Criteria: Invitae Variant Classification Sherloc (09022015). Collection method: clinical testing. Allele origin: germline.
Comment: This sequence change replaces glutamic acid, which is acidic and polar, with glycine, which is neutral and non-polar, at codon 1166 of the DNAH1 protein (p.Glu1166Gly). This variant is not present in population databases (gnomAD no frequency). This variant has not been reported in the literature in individuals affected with DNAH1-related conditions. ClinVar contains an entry for this variant (Variation ID: 3749250). Invitae Evidence Modeling of protein sequence and biophysical properties (such as structural, functional, and spatial information, amino acid conservation, physicochemical variation, residue mobility, and thermodynamic stability) indicates that this missense variant is expected to disrupt DNAH1 protein function with a positive predictive value of 80%. In summary, the available evidence is currently insufficient to determine the role of this variant in disease. Therefore, it has been classified as a Variant of Uncertain Significance.

NM_015512.5(DNAH1):c.3497A>G (p.Glu1166Gly)

Gene: DNAH1 (dynein axonemal heavy chain 1; plus strand). Cytogenetic location: 3p21.1.
Variant type: single nucleotide variant.
Coding change: c.3497A>G on transcript NM_015512.5 (MANE Select); coding-DNA position 3497, A replaced by G.
Protein change: p.Glu1166Gly; replaces glutamic acid 1166 with glycine.
Molecular consequence: missense variant.
Genome position (GRCh38, 1-based): chr3:52,354,859, A>G. VCF-style: chr3-52354859-A-G. GRCh37 (hg19) VCF-style: chr3-52388875-A-G.
Other names: short protein forms E1166G.
Identifiers: ClinVar variation 3749250 (VCV003749250.2).